The following is an entry in ClinVar:

ClinVar aggregate classification (germline): Uncertain significance. Review status: criteria provided, multiple submitters, no conflicts (2 of 4 stars). 3 submissions from 3 submitters: Uncertain significance (3). Last evaluated 2024-06-01.

Conditions:
Kabuki syndrome 1 (KABUK1). Also called: KMT2D-Related Kabuki Syndrome. Identifiers: Orphanet 2322, MedGen CN030661, MONDO:0007843, OMIM 147920.
Choanal atresia-athelia-hypothyroidism-delayed puberty-short stature syndrome (BCAHH). Also called: BRANCHIAL ARCH ABNORMALITIES, CHOANAL ATRESIA, ATHELIA, HEARING LOSS, AND HYPOTHYROIDISM SYNDROME. Identifiers: Orphanet 589856, MedGen C5680310, MONDO:0035651, OMIM 620186.

Submissions (3):

Fulgent Genetics
Classification: Uncertain significance for Kabuki syndrome 1; Choanal atresia-athelia-hypothyroidism-delayed puberty-short stature syndrome. Last evaluated: 2024-06-01. Review status: criteria provided, single submitter. Criteria: ACMG Guidelines, 2015. Collection method: clinical testing. Allele origin: germline.

Blueprint Genetics
Classification: Uncertain significance. Last evaluated: 2024-05-09. Review status: criteria provided, single submitter. Criteria: ACMG Guidelines, 2015. Collection method: clinical testing. Allele origin: germline.

Victorian Clinical Genetics Services, Murdoch Childrens Research Institute
Classification: Uncertain significance for Kabuki syndrome 1. Last evaluated: 2022-09-02. Review status: criteria provided, single submitter. Criteria: ACMG Guidelines, 2015. Collection method: clinical testing. Allele origin: germline. Inheritance: Autosomal dominant inheritance. Affected: yes.
Comment: Based on the classification scheme VCGS_Germline_v1.3.4, this variant is classified as VUS-3B. Following criteria are met: 0102 - Loss of function is a known mechanism of disease in this gene and is associated with Kabuki syndrome 1 (MIM#147920). (I) 0107 - This gene is associated with autosomal dominant disease. (I) 0200 - Variant is predicted to result in a missense amino acid change from glutamine to arginine. (I) 0251 - This variant is heterozygous. (I) 0301 - Variant is absent from gnomAD (both v2 and v3). (SP) 0309 - An alternative amino acid change at the same position has been observed in gnomAD (v2, v3) (1 heterozygote, 0 homozygotes). (I) 0502 - Missense variant with conflicting in silico predictions and uninformative conservation. (I) 0604 - Variant is not located in an established domain, motif, hotspot or informative constraint region. (I) 0705 - No comparable missense variants have previous evidence for pathogenicity. (I) 0807 - This variant has no previous evidence of pathogenicity. (I) 0905 - No published segregation evidence has been identified for this variant. (I) 1007 - No published functional evidence has been identified for this variant. (I) 1208 - Inheritance information for this variant is not currently available in this individual. (I) Legend: (SP) - Supporting pathogenic, (I) - Information, (SB) - Supporting benign

NM_003482.4(KMT2D):c.9791A>G (p.Gln3264Arg)

Gene: KMT2D (lysine methyltransferase 2D; minus strand). Cytogenetic location: 12q13.12.
Variant type: single nucleotide variant.
Coding change: c.9791A>G on transcript NM_003482.4 (MANE Select); coding-DNA position 9791, A replaced by G.
Protein change: p.Gln3264Arg; replaces glutamine 3264 with arginine.
Molecular consequence: missense variant.
Genome position (GRCh38, 1-based): chr12:49,037,565, T>C on the plus strand (A>G on the coding strand, the complement: KMT2D is on the minus strand). VCF-style: chr12-49037565-T-C. GRCh37 (hg19) VCF-style: chr12-49431348-T-C.
Other names: short protein forms Q3264R.
Identifiers: ClinVar variation 1805917 (VCV001805917.3), dbSNP rs2120481939, ClinGen allele CA384736209.
Genomic context (GRCh38, chr12:49,037,565, plus strand): 5'-GAATGCTGCTGCTGCTGTTGCTGCTGCTGCTGGGCAGGCTGCAACTGTGCTGAAAGCTGC[T>C]GCTTCTTCTGCAGCTCCTTCTTCTCATGCTCCAACAGGTCCTCAATGAGCAGGGGTAACT-3'
Protein context (NP_003473.3, residues 3254-3274): EHEKKELQKK[Gln3264Arg]QLSAQLQPAQ